The following is an entry in ClinVar:

ClinVar aggregate classification (germline): Likely pathogenic (1 of 4 stars; one submission).

Conditions:
Sanfilippo syndrome. Also called: Mucopolysaccharidosis Type III; Mucopolysaccharidosis type 3; Sanfilippo disease. Identifiers: Orphanet 581, MedGen C0026706, MONDO:0018937.

Submission:

Natera, Inc.
Classification: Likely pathogenic for Sanfilippo disease. Last evaluated: 2025-11-17. Review status: criteria provided, single submitter. Criteria: Natera Variant Classification Schema (03/2026). Collection method: clinical testing. Allele origin: germline.
Comment: The c.666del variant in GNS is a frameshift variant predicted to shift the reading frame beginning at codon 222 and leads to a stop codon 6 codons downstream. This variant is expected to result in nonsense mediated decay, truncation, or a dysfunctional protein product. This variant is rare in the general population with a frequency below the threshold expected for the associated phenotype(s). Given the available evidence, this variant is classified as Likely Pathogenic.

NM_002076.4(GNS):c.666del (p.Phe222fs)

Gene: GNS (glucosamine (N-acetyl)-6-sulfatase; minus strand). Cytogenetic location: 12q14.3.
Variant type: Deletion.
Coding change: c.666del on transcript NM_002076.4 (MANE Select); coding-DNA position 666, one base deleted (T; older notation c.666delT).
Protein change: p.Phe222fs; shifts the reading frame from phenylalanine 222.
Molecular consequence: frameshift variant.
Genome position (GRCh38, 1-based): chr12:64,743,267, A deleted on the plus strand (T on the coding strand, the reverse complement: GNS is on the minus strand); the first of 3 consecutive A bases (chr12:64,743,267-64,743,269); deleting any one gives the same sequence. VCF-style (leftmost placement, unchanged base first): chr12-64743266-CA-C. GRCh37 (hg19) VCF-style: chr12-65137046-CA-C.
Other names: short protein forms F222fs.
Identifiers: ClinVar variation 4814996 (VCV004814996.1).